The following is an entry in ClinVar:

ClinVar aggregate classification (germline): Uncertain significance. Review status: criteria provided, multiple submitters, no conflicts (2 of 4 stars). 2 submissions from 2 submitters: Uncertain significance (2). Last evaluated 2024-12-08.

Conditions:
Inborn genetic diseases. Identifiers: MedGen C0950123, MeSH D030342.
Baller-Gerold syndrome (BGS). Also called: CRANIOSYNOSTOSIS WITH RADIAL DEFECTS. Identifiers: Orphanet 1225, MedGen C0265308, MONDO:0009039, OMIM 218600.

Allele frequency attached by ClinVar (database versions not stated): gnomAD exomes below 0.00001; TOPMed 0.00002.
gnomAD v4.1: 2 of 1,610,334 alleles (0.00012%); highest among the groups gnomAD compares: Non-Finnish European, 0.000085%; no homozygotes.

Submissions (2):

Ambry Genetics
Classification: Uncertain significance for Inborn genetic diseases. Last evaluated: 2024-12-08. Review status: criteria provided, single submitter. Criteria: Ambry Variant Classification Scheme 2023. Collection method: clinical testing. Allele origin: germline.
Comment: The p.A368V variant (also known as c.1103C>T), located in coding exon 5 of the RECQL4 gene, results from a C to T substitution at nucleotide position 1103. The alanine at codon 368 is replaced by valine, an amino acid with similar properties. This amino acid position is conserved. In addition, this alteration is predicted to be tolerated by in silico analysis. Based on the available evidence, the clinical significance of this variant remains unclear.

Labcorp Genetics (formerly Invitae), Labcorp
Classification: Uncertain significance for Baller-Gerold syndrome. Last evaluated: 2023-03-07. Review status: criteria provided, single submitter. Criteria: Invitae Variant Classification Sherloc (09022015). Collection method: clinical testing. Allele origin: germline.
Comment: In summary, the available evidence is currently insufficient to determine the role of this variant in disease. Therefore, it has been classified as a Variant of Uncertain Significance. Advanced modeling of protein sequence and biophysical properties (such as structural, functional, and spatial information, amino acid conservation, physicochemical variation, residue mobility, and thermodynamic stability) performed at Invitae indicates that this missense variant is not expected to disrupt RECQL4 protein function. ClinVar contains an entry for this variant (Variation ID: 1444221). This variant has not been reported in the literature in individuals affected with RECQL4-related conditions. This variant is not present in population databases (gnomAD no frequency). This sequence change replaces alanine, which is neutral and non-polar, with valine, which is neutral and non-polar, at codon 368 of the RECQL4 protein (p.Ala368Val).

NM_004260.4(RECQL4):c.1103C>T (p.Ala368Val)

Gene: RECQL4 (RecQ like helicase 4; minus strand). Cytogenetic location: 8q24.3.
Variant type: single nucleotide variant.
Coding change: c.1103C>T on transcript NM_004260.4 (MANE Select); coding-DNA position 1103, C replaced by T.
Protein change: p.Ala368Val; replaces alanine 368 with valine.
Molecular consequence: missense variant.
Genome position (GRCh38, 1-based): chr8:144,516,016, G>A on the plus strand (C>T on the coding strand, the complement: RECQL4 is on the minus strand). VCF-style: chr8-144516016-G-A. GRCh37 (hg19) VCF-style: chr8-145741400-G-A.
Other names: c.1103C>T (NM_004260.3); short protein forms A368V.
Identifiers: ClinVar variation 1444221 (VCV001444221.8), dbSNP rs1564805178, ClinGen allele CA372688032.